The following is an entry in ClinVar:

ClinVar aggregate classification (germline): Uncertain significance (1 of 4 stars; one submission).

Conditions:
Early-infantile DEE. Also called: Ohtahara syndrome; Early infantile epileptic encephalopathy with suppression bursts; Early infantile epileptic encephalopathy. Identifiers: Orphanet 1934, MedGen C0393706, MONDO:0800491.

Submission:

Labcorp Genetics (formerly Invitae), Labcorp
Classification: Uncertain significance for Early-infantile DEE. Last evaluated: 2024-07-24. Review status: criteria provided, single submitter. Criteria: Invitae Variant Classification Sherloc (09022015). Collection method: clinical testing. Allele origin: germline.
Comment: This sequence change replaces serine, which is neutral and polar, with cysteine, which is neutral and slightly polar, at codon 779 of the ARHGEF15 protein (p.Ser779Cys). This variant is present in population databases (rs747920880, gnomAD 0.002%). This variant has not been reported in the literature in individuals affected with ARHGEF15-related conditions. An algorithm developed to predict the effect of missense changes on protein structure and function (PolyPhen-2) suggests that this variant is likely to be tolerated. In summary, the available evidence is currently insufficient to determine the role of this variant in disease. Therefore, it has been classified as a Variant of Uncertain Significance.

NM_173728.4(ARHGEF15):c.2336C>G (p.Ser779Cys)

Gene: ARHGEF15 (Rho guanine nucleotide exchange factor 15; plus strand). Cytogenetic location: 17p13.1.
Variant type: single nucleotide variant.
Coding change: c.2336C>G on transcript NM_173728.4 (MANE Select); coding-DNA position 2336, C replaced by G.
Protein change: p.Ser779Cys; replaces serine 779 with cysteine.
Molecular consequence: missense variant.
Genome position (GRCh38, 1-based): chr17:8,319,565, C>G. VCF-style: chr17-8319565-C-G. GRCh37 (hg19) VCF-style: chr17-8222883-C-G.
Other names: c.2336C>G, p.Ser779Cys (NM_025014.2); short protein forms S779C.
Identifiers: ClinVar variation 3715786 (VCV003715786.2).